The following is an entry in ClinVar:

NM_172232.4(ABCA5):c.48A>G (p.Thr16=)

Gene: ABCA5 (ATP binding cassette subfamily A member 5; minus strand). Cytogenetic location: 17q24.3.
Variant type: single nucleotide variant.
Coding change: c.48A>G on transcript NM_172232.4 (MANE Select); coding-DNA position 48, A replaced by G.
Protein change: p.Thr16=; no amino-acid change (threonine 16 retained).
Molecular consequence: synonymous variant.
Genome position (GRCh38, 1-based): chr17:69,314,368, T>C on the plus strand (A>G on the coding strand, the complement: ABCA5 is on the minus strand). VCF-style: chr17-69314368-T-C. GRCh37 (hg19) VCF-style: chr17-67310509-T-C.
Other names: c.48A>G, p.Thr16= (NM_018672.5).
Identifiers: ClinVar variation 3050740 (VCV003050740.2), dbSNP rs149855684, ClinGen allele CA8738005.

ClinVar aggregate classification (germline): Likely benign (0 of 4 stars; one submission).

Conditions:
ABCA5-related disorder. Also called: ABCA5-related condition.

Allele frequency attached by ClinVar (database versions not stated): gnomAD exomes 0.00006; ExAC 0.00014; ESP Exome Variant Server 0.00031; gnomAD 0.00031; TOPMed 0.00031; 1000 Genomes Project 30x 0.00094; 1000 Genomes Project 0.00100.
gnomAD v4.1: 149 of 1,613,924 alleles (0.0092%); highest among the groups gnomAD compares: African/African-American, 0.15%; no homozygotes.

Submission:

PreventionGenetics, part of Exact Sciences
Classification: Likely benign for ABCA5-related condition. Last evaluated: 2019-10-28. Review status: no assertion criteria provided. Collection method: clinical testing. Allele origin: germline.
Comment: This variant is classified as likely benign based on ACMG/AMP sequence variant interpretation guidelines (Richards et al. 2015 PMID: 25741868, with internal and published modifications).